The following is an entry in ClinVar:

ClinVar aggregate classification (germline): Uncertain significance (1 of 4 stars; one submission).

Conditions:
Mosaic variegated aneuploidy syndrome 1 (MVA1). Also called: Warburton-Anyane-Yeboa syndrome. Identifiers: Orphanet 1052, MedGen C1850343, MONDO:0009759, OMIM 257300.

Allele frequency attached by ClinVar (database versions not stated): gnomAD exomes 0.00001; gnomAD 0.00002; TOPMed 0.00002.
gnomAD v4.1: 9 of 1,613,650 alleles (0.00056%); highest among the groups gnomAD compares: African/African-American, 0.0013%; no homozygotes.

Submission:

Labcorp Genetics (formerly Invitae), Labcorp
Classification: Uncertain significance for Mosaic variegated aneuploidy syndrome 1. Last evaluated: 2021-06-23. Review status: criteria provided, single submitter. Criteria: Invitae Variant Classification Sherloc (09022015). Collection method: clinical testing. Allele origin: germline.
Comment: This sequence change replaces tyrosine with cysteine at codon 826 of the BUB1B protein (p.Tyr826Cys). The tyrosine residue is weakly conserved and there is a large physicochemical difference between tyrosine and cysteine. In summary, the available evidence is currently insufficient to determine the role of this variant in disease. Therefore, it has been classified as a Variant of Uncertain Significance. Algorithms developed to predict the effect of missense changes on protein structure and function output the following: SIFT: "Tolerated"; PolyPhen-2: "Benign"; Align-GVGD: "Class C0". The cysteine amino acid residue is found in multiple mammalian species, suggesting that this missense change does not adversely affect protein function. These predictions have not been confirmed by published functional studies and their clinical significance is uncertain. This variant has not been reported in the literature in individuals with BUB1B-related conditions. This variant is not present in population databases (ExAC no frequency).

NM_001211.6(BUB1B):c.2477A>G (p.Tyr826Cys)

Gene: BUB1B (BUB1 mitotic checkpoint serine/threonine kinase B; plus strand). Cytogenetic location: 15q15.1.
Variant type: single nucleotide variant.
Coding change: c.2477A>G on transcript NM_001211.6 (MANE Select); coding-DNA position 2477, A replaced by G.
Protein change: p.Tyr826Cys; replaces tyrosine 826 with cysteine.
Molecular consequence: missense variant.
Genome position (GRCh38, 1-based): chr15:40,212,590, A>G. VCF-style: chr15-40212590-A-G. GRCh37 (hg19) VCF-style: chr15-40504791-A-G.
Other names: short protein forms Y826C.
Identifiers: ClinVar variation 1411694 (VCV001411694.8), dbSNP rs1268467915, ClinGen allele CA391695374.